The following is an entry in ClinVar:

NM_001122681.2(SH3BP2):c.1243C>T (p.Arg415Ter)

Gene: SH3BP2 (SH3 domain binding protein 2; plus strand). Cytogenetic location: 4p16.3.
Variant type: single nucleotide variant.
Coding change: c.1243C>T on transcript NM_001122681.2 (MANE Select); coding-DNA position 1243, C replaced by T.
Protein change: p.Arg415Ter; replaces arginine 415 with a stop codon.
Molecular consequence: nonsense.
Genome position (GRCh38, 1-based): chr4:2,831,572, C>T. VCF-style: chr4-2831572-C-T. GRCh37 (hg19) VCF-style: chr4-2833299-C-T.
Other names: c.1327C>T, p.Arg443Ter (NM_001145855.2, LRG_1334t2); c.1414C>T, p.Arg472Ter (NM_001145856.2); c.1243C>T, p.Arg415Ter (NM_003023.4, LRG_1334t1); short protein forms R415*, R472*, R443*.
Identifiers: ClinVar variation 660346 (VCV000660346.18), dbSNP rs141262371, ClinGen allele CA2819443.

ClinVar aggregate classification (germline): Conflicting classifications of pathogenicity. Review status: criteria provided, conflicting classifications (1 of 4 stars). 3 submissions from 3 submitters: Uncertain significance (2); Benign (1). Last evaluated 2026-01-30.

Conditions:
Fibrous dysplasia of jaw (CRBM). Also called: Cherubism. Identifiers: Orphanet 184, MedGen C0008029, MONDO:0007315, OMIM 118400.

Allele frequency attached by ClinVar (database versions not stated): ESP Exome Variant Server 0.00015; gnomAD exomes 0.00017 and 0.00030; gnomAD 0.00022 and 0.00024; ExAC 0.00026; TOPMed 0.00028.

Submissions (3):

Labcorp Genetics (formerly Invitae), Labcorp
Classification: Uncertain significance for Fibrous dysplasia of jaw. Last evaluated: 2026-01-30. Review status: criteria provided, single submitter. Criteria: Invitae Variant Classification Sherloc (09022015). Collection method: clinical testing. Allele origin: germline.
Comment: This sequence change creates a premature translational stop signal (p.Arg415*) in the SH3BP2 gene. It is expected to result in an absent or disrupted protein product. However, the current clinical and genetic evidence is not sufficient to establish whether loss-of-function variants in SH3BP2 cause disease. This variant is present in population databases (rs141262371, gnomAD 0.03%), and has an allele count higher than expected for a pathogenic variant. This variant has not been reported in the literature in individuals affected with SH3BP2-related conditions. ClinVar contains an entry for this variant (Variation ID: 660346). In summary, the available evidence is currently insufficient to determine the role of this variant in disease. Therefore, it has been classified as a Variant of Uncertain Significance.

Mayo Clinic Laboratories, Mayo Clinic
Classification: Uncertain significance. Last evaluated: 2020-12-03. Review status: criteria provided, single submitter. Criteria: ACMG Guidelines, 2015. Collection method: clinical testing. Allele origin: germline. Observed: 1 variant allele.

Illumina Laboratory Services, Illumina
Classification: Benign for Fibrous dysplasia of jaw. Last evaluated: 2018-03-06. Review status: criteria provided, single submitter. Criteria: ICSL Variant Classification Criteria 13 December 2019. Collection method: clinical testing. Allele origin: germline.
Comment: This variant was observed in the ICSL laboratory as part of a predisposition screen in an ostensibly healthy population. It had not been previously curated by ICSL or reported in the Human Gene Mutation Database (HGMD: prior to June 1st, 2018), and was therefore a candidate for classification through an automated scoring system. Utilizing variant allele frequency, disease prevalence and penetrance estimates, and inheritance mode, an automated score was calculated to assess if this variant is too frequent to cause the disease. Based on the score and internal cut-off values, a variant classified as benign is not then subjected to further curation. The score for this variant resulted in a classification of benign for this disease.